The following is an entry in ClinVar:

NM_024665.7(TBL1XR1):c.204+2del

Gene: TBL1XR1 (TBL1X/Y related 1; minus strand). Cytogenetic location: 3q26.32.
Variant type: Deletion.
Coding change: c.204+2del on transcript NM_024665.7 (MANE Select); the canonical splice donor site of the intron after coding-DNA position 204, one base deleted (T; older notation c.204+2delT).
Molecular consequence: splice donor variant.
Genome position (GRCh38, 1-based): chr3:177,053,771, A deleted on the plus strand (T on the coding strand, the reverse complement: TBL1XR1 is on the minus strand). VCF-style (leftmost placement, unchanged base first): chr3-177053770-TA-T. GRCh37 (hg19) VCF-style: chr3-176771558-TA-T.
Other names: c.204+2del (NM_001374327.1, NM_001321194.3, NM_001321193.3 and 2 more transcripts); c.-58+2del (NM_001374330.1, NM_001321195.3).
Identifiers: ClinVar variation 1320238 (VCV001320238.1), dbSNP rs2108503840, ClinGen allele CA2573052120.

ClinVar aggregate classification (germline): Likely pathogenic (1 of 4 stars; one submission).

Conditions:
Intellectual developmental disorder, autosomal dominant 41. Also called: Intellectual disability, autosomal dominant 41. Identifiers: Orphanet 2823, MedGen C4310784, MONDO:0014842, OMIM 616944.

Submission:

3billion
Classification: Likely pathogenic for Intellectual developmental disorder, autosomal dominant 41. Last evaluated: 2021-10-02. Review status: criteria provided, single submitter. Criteria: ACMG Guidelines, 2015. Collection method: clinical testing. Allele origin: unknown. Affected: yes. Observed: 1 heterozygote.
Comment: Canonical splice site: predicted to alter splicing and result in a loss or disruption of normal protein function through nonsense-mediated decay (NMD) or protein truncation. Multiple pathogenic variants are reported downstream of the variant (PVS1_VS). It is not observed in the gnomAD v2.1.1 dataset (PM2). Therefore, this variant is classified as likely pathogenic according to the recommendation of ACMG/AMP guideline.